The following is an entry in ClinVar:

NM_024408.4(NOTCH2):c.5303A>G (p.Lys1768Arg)

Gene: NOTCH2 (notch receptor 2; minus strand). Cytogenetic location: 1p12.
Variant type: single nucleotide variant.
Coding change: c.5303A>G on transcript NM_024408.4 (MANE Select); coding-DNA position 5303, A replaced by G.
Protein change: p.Lys1768Arg; replaces lysine 1768 with arginine.
Molecular consequence: missense variant.
Genome position (GRCh38, 1-based): chr1:119,921,720, T>C on the plus strand (A>G on the coding strand, the complement: NOTCH2 is on the minus strand). VCF-style: chr1-119921720-T-C. GRCh37 (hg19) VCF-style: chr1-120464343-T-C.
Other names: short protein forms K1768R.
Identifiers: ClinVar variation 2059692 (VCV002059692.4), dbSNP rs1467506544, ClinGen allele CA341886233.
Genomic context (GRCh38, chr1:119,921,720, plus strand): 5'-GAAATGTAACCAGATAATGGCTGACAATGGTGGTTCTACCATGGCCACCTCACCTTTACT[T>C]TCTTTGGCTGGGGCCCTTCATCATCGACCCAGTGTTCACTTGTTCCAGTACCAATTAGGT-3'
Protein context (NP_077719.2, residues 1758-1778): WVDDEGPQPK[Lys1768Arg]VKAEDEALLS

ClinVar aggregate classification (germline): Uncertain significance (1 of 4 stars; one submission).

Conditions:
Hajdu-Cheney syndrome (HJCYS). Also called: SERPENTINE FIBULA-POLYCYSTIC KIDNEY SYNDROME; Acroosteolysis dominant type; ACROOSTEOLYSIS WITH OSTEOPOROSIS AND CHANGES IN SKULL AND MANDIBLE. Identifiers: Orphanet 955, MedGen C0917715, MONDO:0007057, OMIM 102500.

Allele frequency attached by ClinVar (database versions not stated): gnomAD exomes below 0.00001; TOPMed below 0.00001.
gnomAD v4.1: 3 of 1,614,066 alleles (0.00019%); highest among the groups gnomAD compares: Non-Finnish European, 0.00025%; no homozygotes.

Submission:

Labcorp Genetics (formerly Invitae), Labcorp
Classification: Uncertain significance for Hajdu-Cheney syndrome. Last evaluated: 2022-08-31. Review status: criteria provided, single submitter. Criteria: Invitae Variant Classification Sherloc (09022015). Collection method: clinical testing. Allele origin: germline.
Comment: In summary, the available evidence is currently insufficient to determine the role of this variant in disease. Therefore, it has been classified as a Variant of Uncertain Significance. Advanced modeling of protein sequence and biophysical properties (such as structural, functional, and spatial information, amino acid conservation, physicochemical variation, residue mobility, and thermodynamic stability) performed at Invitae indicates that this missense variant is not expected to disrupt NOTCH2 protein function. This variant has not been reported in the literature in individuals affected with NOTCH2-related conditions. This variant is present in population databases (no rsID available, gnomAD 0.0009%). This sequence change replaces lysine, which is basic and polar, with arginine, which is basic and polar, at codon 1768 of the NOTCH2 protein (p.Lys1768Arg).